The following is an entry in ClinVar:

ClinVar aggregate classification (germline): Uncertain significance (1 of 4 stars; one submission).

Conditions:
Hypertrophic cardiomyopathy. Also called: HYPERTROPHIC MYOCARDIOPATHY. Identifiers: Orphanet 217569, MedGen C0007194, MeSH D002312, MONDO:0005045, HP:0001639.

Submission:

Labcorp Genetics (formerly Invitae), Labcorp
Classification: Uncertain significance for Hypertrophic cardiomyopathy. Last evaluated: 2021-11-01. Review status: criteria provided, single submitter. Criteria: Invitae Variant Classification Sherloc (09022015). Collection method: clinical testing. Allele origin: germline.
Comment: This variant has not been reported in the literature in individuals affected with MYH7-related conditions. This variant is not present in population databases (gnomAD no frequency). This sequence change replaces leucine, which is neutral and non-polar, with proline, which is neutral and non-polar, at codon 1657 of the MYH7 protein (p.Leu1657Pro). Algorithms developed to predict the effect of missense changes on protein structure and function are either unavailable or do not agree on the potential impact of this missense change (SIFT: "Deleterious"; PolyPhen-2: "Probably Damaging"; Align-GVGD: "Class C0"). In summary, the available evidence is currently insufficient to determine the role of this variant in disease. Therefore, it has been classified as a Variant of Uncertain Significance.

NM_000257.4(MYH7):c.4970T>C (p.Leu1657Pro)

Genes: MHRT (myosin heavy chain associated RNA transcript; plus strand), MYH7 (myosin heavy chain 7; minus strand), LOC126861897 (BRD4-independent group 4 enhancer GRCh37_chr14:23884455-23885654; plus strand). Cytogenetic location: 14q11.2.
Variant type: single nucleotide variant.
Coding change: c.4970T>C on transcript NM_000257.4 (MANE Select); coding-DNA position 4970, T replaced by C.
Protein change: p.Leu1657Pro; replaces leucine 1657 with proline.
Molecular consequence: missense variant. On other transcripts: non-coding transcript variant (1).
Genome position (GRCh38, 1-based): chr14:23,415,816, A>G on the plus strand (T>C on the coding strand, the complement: MYH7 is on the minus strand). VCF-style: chr14-23415816-A-G. GRCh37 (hg19) VCF-style: chr14-23885025-A-G.
Other names: short protein forms L1657P.
Identifiers: ClinVar variation 1348793 (VCV001348793.6), dbSNP rs2138640870, ClinGen allele CA389037224.
Genomic context (GRCh38, chr14:23,415,816, plus strand): 5'-CGCCGCTCCACGATGGCGATGTTCTCCTTCAGGTCGTCGTTGGCACGGACTGCATCGTCC[A>G]GCTGAATCTGGGTGTCCTGAGGATCAGGAGAGTGGGCATGAGCAGGGAGCCAGCCTCGGT-3'
Protein context (NP_000248.2, residues 1647-1667): QSLLKDTQIQ[Leu1657Pro]DDAVRANDDL